The following is an entry in ClinVar:

ClinVar aggregate classification (germline): Uncertain significance (1 of 4 stars; one submission).

Submission:

Labcorp Genetics (formerly Invitae), Labcorp
Classification: Uncertain significance. Last evaluated: 2023-02-13. Review status: criteria provided, single submitter. Criteria: Invitae Variant Classification Sherloc (09022015). Collection method: clinical testing. Allele origin: germline.
Comment: In summary, the available evidence is currently insufficient to determine the role of this variant in disease. Therefore, it has been classified as a Variant of Uncertain Significance. Algorithms developed to predict the effect of missense changes on protein structure and function (SIFT, PolyPhen-2, Align-GVGD) all suggest that this variant is likely to be tolerated. This variant has not been reported in the literature in individuals affected with ALPK3-related conditions. This variant is not present in population databases (gnomAD no frequency). This sequence change replaces serine, which is neutral and polar, with leucine, which is neutral and non-polar, at codon 219 of the ALPK3 protein (p.Ser219Leu).

NM_020778.5(ALPK3):c.50C>T (p.Ser17Leu)

Gene: ALPK3 (alpha kinase 3; plus strand). Cytogenetic location: 15q25.3.
Variant type: single nucleotide variant.
Coding change: c.50C>T on transcript NM_020778.5 (MANE Select); coding-DNA position 50, C replaced by T.
Protein change: p.Ser17Leu; replaces serine 17 with leucine.
Molecular consequence: missense variant.
Genome position (GRCh38, 1-based): chr15:84,817,502, C>T. VCF-style: chr15-84817502-C-T. GRCh37 (hg19) VCF-style: chr15-85360733-C-T.
Other names: short protein forms S17L.
Identifiers: ClinVar variation 2836575 (VCV002836575.3), dbSNP rs2505689208, ClinGen allele CA393369359.